The following is an entry in ClinVar:

ClinVar aggregate classification (germline): Uncertain significance (1 of 4 stars; one submission).

gnomAD v4.1: 4 of 1,613,004 alleles (0.00025%); highest among the groups gnomAD compares: African/African-American, 0.004%; no homozygotes.

Submission:

Labcorp Genetics (formerly Invitae), Labcorp
Classification: Uncertain significance. Last evaluated: 2024-02-16. Review status: criteria provided, single submitter. Criteria: Invitae Variant Classification Sherloc (09022015). Collection method: clinical testing. Allele origin: germline.
Comment: This sequence change replaces alanine, which is neutral and non-polar, with threonine, which is neutral and polar, at codon 331 of the KCNH1 protein (p.Ala331Thr). This variant is not present in population databases (gnomAD no frequency). This variant has not been reported in the literature in individuals affected with KCNH1-related conditions. Advanced modeling of protein sequence and biophysical properties (such as structural, functional, and spatial information, amino acid conservation, physicochemical variation, residue mobility, and thermodynamic stability) performed at Invitae indicates that this missense variant is expected to disrupt KCNH1 protein function with a positive predictive value of 95%. In summary, the available evidence is currently insufficient to determine the role of this variant in disease. Therefore, it has been classified as a Variant of Uncertain Significance.

NM_172362.3(KCNH1):c.991G>A (p.Ala331Thr)

Gene: KCNH1 (potassium voltage-gated channel subfamily H member 1; minus strand). Cytogenetic location: 1q32.2.
Variant type: single nucleotide variant.
Coding change: c.991G>A on transcript NM_172362.3 (MANE Select); coding-DNA position 991, G replaced by A.
Protein change: p.Ala331Thr; replaces alanine 331 with threonine.
Molecular consequence: missense variant. On other transcripts: intron variant (1).
Genome position (GRCh38, 1-based): chr1:211,018,824, C>T on the plus strand (G>A on the coding strand, the complement: KCNH1 is on the minus strand). VCF-style: chr1-211018824-C-T. GRCh37 (hg19) VCF-style: chr1-211192166-C-T.
Other names: c.951+40G>A (NM_002238.4); short protein forms A331T.
Identifiers: ClinVar variation 3677662 (VCV003677662.2).
Genomic context (GRCh38, chr1:211,018,824, plus strand): 5'-TGAGATTTGAGGGATGTACCTGACTCTCTCTCCCCTCCAGTGGTGGTGGAATCTGATCAG[C>T]AAAACCAATCTTCCCTGGATCACCCATAAAGGCACTAACCTCATCCACGTTCTCAAAAGC-3'
Protein context (NP_758872.1, residues 321-341): FMGDPGKIGF[Ala331Thr]DQIPPPLEGR